The following is an entry in ClinVar:

NC_000001.10:g.(?_145487304)_(145567095_?)dup

Genes: ANKRD35 (ankyrin repeat domain 35; minus strand), ITGA10 (integrin subunit alpha 10; minus strand), LIX1L (limb and CNS expressed 1 like; minus strand), PEX11B (peroxisomal biogenesis factor 11 beta; minus strand), RBM8A (RNA binding motif protein 8A; minus strand). Cytogenetic location: 1q21.1.
Variant type: Duplication.
Identifiers: ClinVar variation 831800 (VCV000831800.1).

ClinVar aggregate classification (germline): Uncertain significance (1 of 4 stars; one submission).

Submission:

Labcorp Genetics (formerly Invitae), Labcorp
Classification: Uncertain significance. Last evaluated: 2019-11-04. Review status: criteria provided, single submitter. Criteria: Invitae Variant Classification Sherloc (09022015). Collection method: clinical testing. Allele origin: germline.
Comment: This variant results in a copy number gain of the genomic region encompassing the full coding sequence of the PEX11B gene. The boundaries of this event are unknown as they extend beyond the assayed region for this gene and therefore may encompass additional genes. As the precise location of this event is unknown, it may be in tandem or it may be located elsewhere in the genome. This variant has not been reported in the literature in individuals with PEX11B-related conditions. In summary, the available evidence is currently insufficient to determine the role of this variant in disease. Therefore, it has been classified as a Variant of Uncertain Significance.